The following is an entry in ClinVar:

NM_020975.6(RET):c.2084C>G (p.Pro695Arg)

Gene: RET (ret proto-oncogene; plus strand). Cytogenetic location: 10q11.21.
Variant type: single nucleotide variant.
Coding change: c.2084C>G on transcript NM_020975.6 (MANE Select); coding-DNA position 2084, C replaced by G.
Protein change: p.Pro695Arg; replaces proline 695 with arginine.
Molecular consequence: missense variant.
Genome position (GRCh38, 1-based): chr10:43,114,684, C>G. VCF-style: chr10-43114684-C-G. GRCh37 (hg19) VCF-style: chr10-43610132-C-G.
Other names: c.2084C>G, p.Pro695Arg (NM_000323.2, NM_001406743.1, NM_001406744.1 and 4 more transcripts); c.1322C>G, p.Pro441Arg (NM_001355216.2); c.1955C>G, p.Pro652Arg (NM_001406761.1, NM_001406762.1, NM_001406764.1); c.1949C>G, p.Pro650Arg (NM_001406763.1, NM_001406765.1); c.1796C>G, p.Pro599Arg (NM_001406766.1, NM_001406767.1, NM_001406770.1); c.1820C>G, p.Pro607Arg (NM_001406768.1); c.1688C>G, p.Pro563Arg (NM_001406769.1, NM_001406772.1); c.1646C>G, p.Pro549Arg (NM_001406771.1, NM_001406773.1); and 10 more; short protein forms P300R, P441R, P599R, P351R, P356R, P365R, P563R, P695R.
Identifiers: ClinVar variation 1785611 (VCV001785611.5), dbSNP rs1838030104, ClinGen allele CA376553275.
Genomic context (GRCh38, chr10:43,114,684, plus strand): 5'-CCTTCCGGAGGCCCGCCCAGGCCTTCCCGGTCAGCTACTCCTCTTCCGGTGCCCGCCGGC[C>G]CTCGCTGGACTCCATGGAGAACCAGGTCTCCGTGGATGCCTTCAAGATCCTGGTGAGGGT-3'
Protein context (NP_066124.1, residues 685-705): VSYSSSGARR[Pro695Arg]SLDSMENQVS

ClinVar aggregate classification (germline): Uncertain significance. Review status: criteria provided, multiple submitters, no conflicts (2 of 4 stars). 3 submissions from 3 submitters: Uncertain significance (3). Last evaluated 2025-12-01.

Conditions:
Multiple endocrine neoplasia type 2A. Also called: MULTIPLE ENDOCRINE NEOPLASIA, TYPE IIA; PTC SYNDROME; SIPPLE SYNDROME; MEN 2A; MEN-2A syndrome; Pheochromocytoma and amyloid producing medullary thyroid carcinoma. Identifiers: Orphanet 247698, Orphanet 653, MedGen C0025268, MeSH D018813, MONDO:0008234, OMIM 171400.
Hereditary cancer-predisposing syndrome. Also called: Neoplastic Syndromes, Hereditary; Tumor predisposition; Hereditary Cancer Syndrome; Hereditary neoplastic syndrome. Identifiers: Orphanet 140162, MedGen C0027672, MeSH D009386, MONDO:0015356.
Multiple endocrine neoplasia, type 2 (MEN2). Identifiers: Orphanet 653, MedGen C4048306, MONDO:0019003. Disease mechanism: gain of function.

Allele frequency attached by ClinVar (database versions not stated): gnomAD exomes below 0.00001.
gnomAD v4.1: 1 of 1,612,448 alleles (0.000062%); highest among the groups gnomAD compares: Middle Eastern, 0.017%; no homozygotes.

Submissions (3):

KCCC/NGS Laboratory, Kuwait Cancer Control Center
Classification: Uncertain significance for Multiple endocrine neoplasia type 2A. Last evaluated: 2025-12-01. Review status: criteria provided, single submitter. Criteria: ACMG Guidelines, 2015. Collection method: clinical testing. Allele origin: germline. Inheritance: Autosomal dominant inheritance. Affected: yes.
Comment: the available evidence is currently insufficient to determine the role of this variant in disease. Therefore, it has been classified as a Variant of Uncertain Significance. The diagnosis of hereditary cancer syndrome is not confirmed.

Labcorp Genetics (formerly Invitae), Labcorp
Classification: Uncertain significance for Multiple endocrine neoplasia, type 2. Last evaluated: 2024-10-31. Review status: criteria provided, single submitter. Criteria: Invitae Variant Classification Sherloc (09022015). Collection method: clinical testing. Allele origin: germline.
Comment: This sequence change replaces proline, which is neutral and non-polar, with arginine, which is basic and polar, at codon 695 of the RET protein (p.Pro695Arg). This variant is not present in population databases (gnomAD no frequency). This variant has not been reported in the literature in individuals affected with RET-related conditions. ClinVar contains an entry for this variant (Variation ID: 1785611). An algorithm developed to predict the effect of missense changes on protein structure and function (PolyPhen-2) suggests that this variant is likely to be tolerated. In summary, the available evidence is currently insufficient to determine the role of this variant in disease. Therefore, it has been classified as a Variant of Uncertain Significance.

Ambry Genetics
Classification: Uncertain significance for Hereditary cancer-predisposing syndrome. Last evaluated: 2021-04-20. Review status: criteria provided, single submitter. Criteria: Ambry Variant Classification Scheme 2023. Collection method: clinical testing. Allele origin: germline.
Comment: The p.P695R variant (also known as c.2084C>G), located in coding exon 11 of the RET gene, results from a C to G substitution at nucleotide position 2084. The proline at codon 695 is replaced by arginine, an amino acid with dissimilar properties. This amino acid position is well conserved in available vertebrate species. In addition, the in silico prediction for this alteration is inconclusive. Since supporting evidence is limited at this time, the clinical significance of this alteration remains unclear.